The following is an entry in ClinVar:

NM_004333.6(BRAF):c.1744A>G (p.Ile582Val)

Gene: BRAF (B-Raf proto-oncogene, serine/threonine kinase; minus strand). Cytogenetic location: 7q34.
Variant type: single nucleotide variant.
Coding change: c.1744A>G on transcript NM_004333.6 (MANE Select); coding-DNA position 1744, A replaced by G.
Protein change: p.Ile582Val; replaces isoleucine 582 with valine.
Molecular consequence: missense variant.
Genome position (GRCh38, 1-based): chr7:140,753,391, T>C on the plus strand (A>G on the coding strand, the complement: BRAF is on the minus strand). VCF-style: chr7-140753391-T-C. GRCh37 (hg19) VCF-style: chr7-140453191-T-C.
Other names: c.1744A>G, p.Ile582Val (NM_001354609.2, NM_001378468.1, NM_001378474.1); c.1864A>G, p.Ile622Val (NM_001374244.1, NM_001374258.1); c.1753A>G, p.Ile585Val (NM_001378467.1); c.1678A>G, p.Ile560Val (NM_001378469.1); c.1642A>G, p.Ile548Val (NM_001378470.1); c.1633A>G, p.Ile545Val (NM_001378471.1); c.1588A>G, p.Ile530Val (NM_001378472.1, NM_001378473.1); c.1480A>G, p.Ile494Val (NM_001378475.1); short protein forms I545V, I548V, I582V, I530V, I560V, I622V, I494V, I585V.
Identifiers: ClinVar variation 1779251 (VCV001779251.3), dbSNP rs2128998487, ClinGen allele CA369543391.

ClinVar aggregate classification (germline): Uncertain significance. Review status: criteria provided, multiple submitters, no conflicts (2 of 4 stars). 2 submissions from 2 submitters: Uncertain significance (2). Last evaluated 2024-11-25.

Conditions:
Cardiovascular phenotype. Identifiers: MedGen CN230736.

Submissions (2):

GeneDx
Classification: Uncertain significance. Last evaluated: 2024-11-25. Review status: criteria provided, single submitter. Criteria: GeneDx Variant Classification Process June 2021. Collection method: clinical testing. Allele origin: germline. Affected: yes.
Comment: Not observed at significant frequency in large population cohorts (gnomAD); Missense variants in this gene are a common cause of disease and they are underrepresented in the general population; In silico analysis indicates that this missense variant does not alter protein structure/function; Has not been previously published as pathogenic or benign to our knowledge; This variant is associated with the following publications: (PMID: 29493581)

Ambry Genetics
Classification: Uncertain significance for Cardiovascular phenotype. Last evaluated: 2022-04-03. Review status: criteria provided, single submitter. Criteria: Ambry Variant Classification Scheme 2023. Collection method: clinical testing. Allele origin: germline.
Comment: The p.I582V variant (also known as c.1744A>G), located in coding exon 15 of the BRAF gene, results from an A to G substitution at nucleotide position 1744. The isoleucine at codon 582 is replaced by valine, an amino acid with highly similar properties. This amino acid position is conserved. In addition, this alteration is predicted to be deleterious by in silico analysis. Since supporting evidence is limited at this time, the clinical significance of this alteration remains unclear.